The following is an entry in ClinVar:

NM_000186.4(CFH):c.427G>A (p.Val143Ile)

Gene: CFH (complement factor H; plus strand). Cytogenetic location: 1q31.3.
Variant type: single nucleotide variant.
Coding change: c.427G>A on transcript NM_000186.4 (MANE Select); coding-DNA position 427, G replaced by A.
Protein change: p.Val143Ile; replaces valine 143 with isoleucine.
Molecular consequence: missense variant.
Genome position (GRCh38, 1-based): chr1:196,676,065, G>A. VCF-style: chr1-196676065-G-A. GRCh37 (hg19) VCF-style: chr1-196645195-G-A.
Other names: c.427G>A, p.Val143Ile (NM_001014975.3); short protein forms V143I.
Identifiers: ClinVar variation 4291698 (VCV004291698.2).

ClinVar aggregate classification (germline): Uncertain significance (1 of 4 stars; one submission).

Conditions:
Factor H deficiency (CFHD). Also called: COMPLEMENT FACTOR H DEFICIENCY; CFH DEFICIENCY. Identifiers: Orphanet 200421, MedGen C0398777, MONDO:0012350, OMIM 609814.

Submission:

Genomenon, Inc
Classification: Uncertain significance for Factor H deficiency. Last evaluated: 2026-09-17. Review status: criteria provided, single submitter. Criteria: Genomenon Sequence Variant Interpretation Standards - Updated. Collection method: curation. Allele origin: germline. Affected: yes.
Comment: CFH p.Val143Ile (c.427G>A) is a missense variant that changes the amino acid at codon 143 from valine to isoleucine. This variant has been observed in at least one proband affected with complement factor H deficiency (PMID: 22456601). It is absent or not present at a significant frequency in gnomAD. In silico models predict that this variant is possibly or probably damaging. In conclusion, we classify CFH p.Val143Ile (c.427G>A) as a variant of uncertain significance.

Literature cited by the submitters: PubMed 22456601.